The following is an entry in ClinVar:

ClinVar aggregate classification (germline): Uncertain significance. Review status: criteria provided, multiple submitters, no conflicts (2 of 4 stars). 2 submissions from 2 submitters: Uncertain significance (2). Last evaluated 2023-04-05.

Conditions:
Catecholaminergic polymorphic ventricular tachycardia 1. Also called: RYR2-Related Catecholaminergic Polymorphic Ventricular Tachycardia; VENTRICULAR TACHYCARDIA, CATECHOLAMINERGIC POLYMORPHIC, 1, WITH OR WITHOUT ATRIAL DYSFUNCTION AND/OR DILATED CARDIOMYOPATHY; VENTRICULAR TACHYCARDIA, STRESS-INDUCED POLYMORPHIC 1. Identifiers: Orphanet 3286, MedGen C1631597, MONDO:0011484, OMIM 604772.
Cardiovascular phenotype. Identifiers: MedGen CN230736.

Allele frequency attached by ClinVar (database versions not stated): gnomAD exomes 0.00001; ExAC 0.00002.
gnomAD v4.1: 4 of 1,595,320 alleles (0.00025%); highest among the groups gnomAD compares: Non-Finnish European, 0.00034%; no homozygotes.

Submissions (2):

Ambry Genetics
Classification: Uncertain significance for Cardiovascular phenotype. Last evaluated: 2023-04-05. Review status: criteria provided, single submitter. Criteria: Ambry Variant Classification Scheme 2023. Collection method: clinical testing. Allele origin: germline.
Comment: The p.A289T variant (also known as c.865G>A), located in coding exon 10 of the TRDN gene, results from a G to A substitution at nucleotide position 865. The alanine at codon 289 is replaced by threonine, an amino acid with similar properties. This amino acid position is conserved. In addition, this alteration is predicted to be tolerated by in silico analysis. Since supporting evidence is limited at this time, the clinical significance of this alteration remains unclear.

Labcorp Genetics (formerly Invitae), Labcorp
Classification: Uncertain significance for Catecholaminergic polymorphic ventricular tachycardia 1. Last evaluated: 2022-01-06. Review status: criteria provided, single submitter. Criteria: Invitae Variant Classification Sherloc (09022015). Collection method: clinical testing. Allele origin: germline.
Comment: The frequency data for this variant in the population databases is considered unreliable, as metrics indicate poor data quality at this position in the gnomAD database. This sequence change replaces alanine, which is neutral and non-polar, with threonine, which is neutral and polar, at codon 289 of the TRDN protein (p.Ala289Thr). This variant has not been reported in the literature in individuals affected with TRDN-related conditions. Algorithms developed to predict the effect of missense changes on protein structure and function are either unavailable or do not agree on the potential impact of this missense change (SIFT: "Tolerated"; PolyPhen-2: "Possibly Damaging"; Align-GVGD: "Class C0"). In summary, the available evidence is currently insufficient to determine the role of this variant in disease. Therefore, it has been classified as a Variant of Uncertain Significance.

NM_006073.4(TRDN):c.865G>A (p.Ala289Thr)

Genes: TRDN (triadin; minus strand), TRDN-AS1 (TRDN antisense RNA 1; plus strand). Cytogenetic location: 6q22.31.
Variant type: single nucleotide variant.
Coding change: c.865G>A on transcript NM_006073.4 (MANE Select); coding-DNA position 865, G replaced by A.
Protein change: p.Ala289Thr; replaces alanine 289 with threonine.
Molecular consequence: missense variant.
Genome position (GRCh38, 1-based): chr6:123,464,972, C>T on the plus strand (G>A on the coding strand, the complement: TRDN is on the minus strand). VCF-style: chr6-123464972-C-T. GRCh37 (hg19) VCF-style: chr6-123786117-C-T.
Other names: c.865G>A, p.Ala289Thr (NM_001251987.2); c.805G>A, p.Ala269Thr (NM_001256020.2, NM_001407315.1); c.865G>A (NM_006073.2); short protein forms A269T, A289T.
Identifiers: ClinVar variation 1976312 (VCV001976312.7), dbSNP rs762204697, ClinGen allele CA3984231.
Genomic context (GRCh38, chr6:123,464,972, plus strand): 5'-GGGCAGGTGATGCCGGAGTGGGTCTGGAAGCTTGTTCTGTCGGTAAGGGAGGTGGAATGG[C>T]TGGGCTTTGTCCTACACAATGTAGAAGTAGGAATTGGAAAAAAAAAAGTATTAACAAATC-3'
Protein context (NP_006064.2, residues 279-299): HGDLKPGQSP[Ala289Thr]IPPPLPTEQA